The following is an entry in ClinVar:

NM_182641.4(BPTF):c.4918A>G (p.Thr1640Ala)

Gene: BPTF (bromodomain PHD finger transcription factor; plus strand). Cytogenetic location: 17q24.2.
Variant type: single nucleotide variant.
Coding change: c.4918A>G on transcript NM_182641.4 (MANE Select); coding-DNA position 4918, A replaced by G.
Protein change: p.Thr1640Ala; replaces threonine 1640 with alanine.
Molecular consequence: missense variant.
Genome position (GRCh38, 1-based): chr17:67,912,802, A>G. VCF-style: chr17-67912802-A-G. GRCh37 (hg19) VCF-style: chr17-65908918-A-G.
Other names: c.5296A>G, p.Thr1766Ala (NM_004459.7); short protein forms T1640A, T1766A.
Identifiers: ClinVar variation 977329 (VCV000977329.2), dbSNP rs1309688400, ClinGen allele CA400731320.

ClinVar aggregate classification (germline): Uncertain significance (0 of 4 stars; one submission).

Allele frequency attached by ClinVar (database versions not stated): TOPMed 0.00002 and 0.00003; gnomAD 0.00003.
gnomAD v4.1: 4 of 1,614,044 alleles (0.00025%); highest among the groups gnomAD compares: African/African-American, 0.0053%; no homozygotes.

Submission:

New York Genome Center
Classification: Uncertain significance. Last evaluated: 2019-11-21. Review status: no assertion criteria provided. Collection method: clinical testing. Allele origin: germline. Affected: yes. Observed: 1 heterozygote.
Comment: The c.4918A>G (p.Thr1640Ala) variant substitutes a moderately conserved Threonine for Alanine at amino acid 1640/2921 (coding exon 11/28). This variant is absent from gnomAD suggesting it is not a common benign variant in the populations represented in this database. In silico algorithms predict this variant to be Neutral (Provean; score: 0.160) and Tolerated (SIFT; score: 0.160) to the function of the canonical transcript. To our current knowledge this variant has not been reported in affected individuals in the literature. The p.Thr1640 residue is in a region of the protein between two PHD domains, and at least one other missense variant has been described in this region in an affected individual in the literature (p.Ala1924Thr; PMID:28942966].